The following is an entry in ClinVar:

ClinVar aggregate classification (germline): Pathogenic (1 of 4 stars; one submission).

Conditions:
Wilson disease (WND). Also called: Wilson's disease. Identifiers: Orphanet 905, MedGen C0019202, MONDO:0010200, OMIM 277900. Disease mechanism: loss of function.

Submission:

Myriad Genetics, Inc.
Classification: Pathogenic for Wilson disease. Last evaluated: 2026-02-02. Review status: criteria provided, single submitter. Criteria: Myriad Autosomal Dominant, Autosomal Recessive and X-Linked Classification Criteria (2023). Collection method: clinical testing. Allele origin: unknown.
Comment: NM_000053.3(ATP7B):c.2964dupG(L989Afs*39) is expected to be pathogenic in the context of Wilson disease. This variant is predicted to lead to an abnormal or absent protein product due to the creation of a premature termination codon in ATP7B, a gene where loss-of-function variants are known to be pathogenic. Please note: this variant was assessed in the context of healthy population screening.

NM_000053.4(ATP7B):c.2964dup (p.Leu989fs)

Gene: ATP7B (ATPase copper transporting beta; minus strand). Cytogenetic location: 13q14.3.
Variant type: Duplication.
Coding change: c.2964dup on transcript NM_000053.4 (MANE Select); coding-DNA position 2964, one base duplicated (G; older notation c.2964dupG).
Protein change: p.Leu989fs; shifts the reading frame from leucine 989.
Molecular consequence: frameshift variant. On other transcripts: intron variant (6).
Genome position (GRCh38, 1-based): chr13:51,946,380, C duplicated on the plus strand (G on the coding strand, the reverse complement: ATP7B is on the minus strand); the first of 4 consecutive C bases (chr13:51,946,380-51,946,383); duplicating any one gives the same sequence. VCF-style (leftmost placement, unchanged base first): chr13-51946379-G-GC. GRCh37 (hg19) VCF-style: chr13-52520515-G-GC.
Other names: c.2343dup, p.Leu782fs (NM_001005918.3); c.2631dup, p.Leu878fs (NM_001243182.2); c.2730dup, p.Leu911fs (NM_001330578.2, NM_001406527.1, NM_001406528.1 and 1 more transcripts); c.2712dup, p.Leu905fs (NM_001330579.2, NM_001406531.1, NM_001406532.1); c.2964dup, p.Leu989fs (NM_001406511.1, NM_001406512.1, NM_001406513.1 and 2 more transcripts); c.2931dup, p.Leu978fs (NM_001406514.1); c.2910dup, p.Leu971fs (NM_001406515.1, NM_001406516.1); c.2868dup, p.Leu957fs (NM_001406517.1, NM_001406518.1); and 18 more; short protein forms L559fs, L773fs, L782fs, L795fs, L827fs, L846fs, L873fs, L878fs.
Identifiers: ClinVar variation 5015507 (VCV005015507.1).